The following is an entry in ClinVar:

NM_001243133.2(NLRP3):c.2591C>T (p.Ala864Val)

Gene: NLRP3 (NLR family pyrin domain containing 3; plus strand). Cytogenetic location: 1q44.
Variant type: single nucleotide variant.
Coding change: c.2591C>T on transcript NM_001243133.2 (MANE Select); coding-DNA position 2591, C replaced by T.
Protein change: p.Ala864Val; replaces alanine 864 with valine.
Molecular consequence: missense variant. On other transcripts: intron variant (2).
Genome position (GRCh38, 1-based): chr1:247,436,068, C>T. VCF-style: chr1-247436068-C-T. GRCh37 (hg19) VCF-style: chr1-247599370-C-T.
Other names: c.2591C>T, p.Ala864Val (NM_001079821.3); c.2420C>T, p.Ala807Val (NM_001127462.3); c.2597C>T, p.Ala866Val (NM_004895.5); c.2492+1795C>T (NM_001127461.3); c.2321+1795C>T (NM_183395.3); short protein forms A866V, A864V, A807V.
Identifiers: ClinVar variation 659147 (VCV000659147.8), dbSNP rs773321213, ClinGen allele CA1495302.

ClinVar aggregate classification (germline): Uncertain significance (1 of 4 stars; one submission).

Conditions:
Cryopyrin associated periodic syndrome (CAPS). Identifiers: Orphanet 208650, MedGen C2316212, MONDO:0016168.

Allele frequency attached by ClinVar (database versions not stated): TOPMed below 0.00001; ExAC 0.00001; gnomAD exomes 0.00001.
gnomAD v4.1: 12 of 1,614,104 alleles (0.00074%); highest among the groups gnomAD compares: South Asian, 0.013%; no homozygotes.

Submission:

Labcorp Genetics (formerly Invitae), Labcorp
Classification: Uncertain significance for Cryopyrin associated periodic syndrome. Last evaluated: 2024-04-08. Review status: criteria provided, single submitter. Criteria: Invitae Variant Classification Sherloc (09022015). Collection method: clinical testing. Allele origin: germline.
Comment: This sequence change replaces alanine, which is neutral and non-polar, with valine, which is neutral and non-polar, at codon 866 of the NLRP3 protein (p.Ala866Val). This variant is present in population databases (rs773321213, gnomAD 0.01%). This variant has not been reported in the literature in individuals affected with NLRP3-related conditions. ClinVar contains an entry for this variant (Variation ID: 659147). Advanced modeling of protein sequence and biophysical properties (such as structural, functional, and spatial information, amino acid conservation, physicochemical variation, residue mobility, and thermodynamic stability) performed at Invitae indicates that this missense variant is not expected to disrupt NLRP3 protein function with a negative predictive value of 95%. In summary, the available evidence is currently insufficient to determine the role of this variant in disease. Therefore, it has been classified as a Variant of Uncertain Significance.